The following is an entry in ClinVar:

ClinVar aggregate classification (germline): Pathogenic (1 of 4 stars; one submission).

Conditions:
Developmental and epileptic encephalopathy 94 (DEE94). Also called: Epileptic encephalopathy, childhood-onset; CHD2-Related Neurodevelopmental Disorders. Identifiers: Orphanet 1942, Orphanet 2382, MedGen C3809278, MONDO:0014150, OMIM 615369.

Submission:

Labcorp Genetics (formerly Invitae), Labcorp
Classification: Pathogenic for Developmental and epileptic encephalopathy 94. Last evaluated: 2022-07-19. Review status: criteria provided, single submitter. Criteria: Invitae Variant Classification Sherloc (09022015). Collection method: clinical testing. Allele origin: germline.
Comment: This sequence change creates a premature translational stop signal (p.Ser627Tyrfs*6) in the CHD2 gene. It is expected to result in an absent or disrupted protein product. Loss-of-function variants in CHD2 are known to be pathogenic (PMID: 23708187, 24207121). This variant is not present in population databases (gnomAD no frequency). This premature translational stop signal has been observed in individual(s) with epileptic encephalopathy (PMID: 27781031). ClinVar contains an entry for this variant (Variation ID: 1076494). For these reasons, this variant has been classified as Pathogenic.

Literature cited by the submitters: PubMed 23708187; PubMed 24207121; PubMed 27781031.

NM_001271.4(CHD2):c.1880_1883del (p.Ser627fs)

Gene: CHD2 (chromodomain helicase DNA binding protein 2; plus strand). Cytogenetic location: 15q26.1.
Variant type: Deletion.
Coding change: c.1880_1883del on transcript NM_001271.4 (MANE Select); coding-DNA positions 1880 to 1883, 4 bases deleted (CTTT; older notation c.1880_1883delCTTT).
Protein change: p.Ser627fs; shifts the reading frame from serine 627.
Molecular consequence: frameshift variant.
Genome position (GRCh38, 1-based): chr15:92,956,529-92,956,532, CTTT deleted; deleting any 4 consecutive bases within chr15:92,956,528-92,956,532 gives the same sequence; the c. name uses the placement nearest the transcript's 3' end. VCF-style (leftmost placement, unchanged base first): chr15-92956527-CTCTT-C. GRCh37 (hg19) VCF-style: chr15-93499757-CTCTT-C.
Other names: short protein forms S627fs.
Identifiers: ClinVar variation 1076494 (VCV001076494.9), dbSNP rs2141816549, ClinGen allele CA2499223177.